The following is an entry in ClinVar:

ClinVar aggregate classification (germline): Likely benign. Review status: criteria provided, multiple submitters, no conflicts (2 of 4 stars). 5 submissions from 5 submitters: Likely benign (2). 3 of the submissions do not count toward it. Last evaluated 2025-09-10.

Conditions:
TUBGCP6-related disorder. Also called: TUBGCP6-related condition.

Allele frequency attached by ClinVar (database versions not stated): ExAC 0.00001; gnomAD 0.00001; gnomAD exomes 0.00002.

Submissions (5):

Labcorp Genetics (formerly Invitae), Labcorp
Classification: Likely benign. Last evaluated: 2025-09-10. Review status: criteria provided, single submitter. Criteria: Invitae Variant Classification Sherloc (09022015). Collection method: clinical testing. Allele origin: germline.

Blueprint Genetics
Classification: Likely benign. Last evaluated: 2023-09-22. Review status: criteria provided, single submitter. Criteria: ACMG Guidelines, 2015. Collection method: clinical testing. Allele origin: germline.

PreventionGenetics, part of Exact Sciences
Classification: Likely benign for TUBGCP6-related condition. Last evaluated: 2021-10-22. Review status: no assertion criteria provided. Collection method: clinical testing. Allele origin: germline. Not counted in ClinVar's aggregate classification.
Comment: This variant is classified as likely benign based on ACMG/AMP sequence variant interpretation guidelines (Richards et al. 2015 PMID: 25741868, with internal and published modifications).

Clinical Genetics DNA and cytogenetics Diagnostics Lab, Erasmus MC, Erasmus Medical Center
Classification: Likely benign. Review status: no assertion criteria provided. Collection method: clinical testing. Allele origin: germline. Affected: yes. Study: VKGL Data-share Consensus. Not counted in ClinVar's aggregate classification.

Clinical Genetics, Academic Medical Center
Classification: Likely benign. Review status: no assertion criteria provided. Collection method: clinical testing. Allele origin: germline. Affected: yes. Study: VKGL Data-share Consensus. Not counted in ClinVar's aggregate classification.

NM_020461.4(TUBGCP6):c.5369-7dup

Gene: TUBGCP6 (tubulin gamma complex component 6; minus strand). Cytogenetic location: 22q13.33.
Variant type: Duplication.
Coding change: c.5369-7dup on transcript NM_020461.4 (MANE Select); 7 bases into the intron before coding-DNA position 5369, one base duplicated (T; older notation c.5369-7dupT).
Molecular consequence: intron variant.
Genome position (GRCh38, 1-based): chr22:50,217,834, A duplicated on the plus strand (T on the coding strand, the reverse complement: TUBGCP6 is on the minus strand). VCF-style (leftmost placement, unchanged base first): chr22-50217833-G-GA. GRCh37 (hg19) VCF-style: chr22-50656262-G-GA.
Other names: c.5369-7dupT (NM_020461.3).
Identifiers: ClinVar variation 1084689 (VCV001084689.15), dbSNP rs766213817, ClinGen allele CA10307022.